The following is an entry in ClinVar:

ClinVar aggregate classification (germline): Uncertain significance (1 of 4 stars; one submission).

Allele frequency attached by ClinVar (database versions not stated): gnomAD exomes below 0.00001.
gnomAD v4.1: 2 of 1,614,172 alleles (0.00012%); highest among the groups gnomAD compares: Non-Finnish European, 0.00017%; no homozygotes.

Submission:

Mayo Clinic Laboratories, Mayo Clinic
Classification: Uncertain significance. Last evaluated: 2023-06-02. Review status: criteria provided, single submitter. Criteria: ACMG Guidelines, 2015. Collection method: clinical testing. Allele origin: germline. Observed: 1 variant allele.
Comment: PM2_supporting

NM_000376.3(VDR):c.1205G>A (p.Arg402His)

Gene: VDR (vitamin D receptor; minus strand). Cytogenetic location: 12q13.11.
Variant type: single nucleotide variant.
Coding change: c.1205G>A on transcript NM_000376.3 (MANE Select); coding-DNA position 1205, G replaced by A.
Protein change: p.Arg402His; replaces arginine 402 with histidine.
Molecular consequence: missense variant.
Genome position (GRCh38, 1-based): chr12:47,844,825, C>T on the plus strand (G>A on the coding strand, the complement: VDR is on the minus strand). VCF-style: chr12-47844825-C-T. GRCh37 (hg19) VCF-style: chr12-48238608-C-T.
Other names: p.Arg402His; c.1205G>A, p.Arg402His (NM_001017535.2, NM_001364085.2, NM_001374661.1 and 1 more transcripts); c.1355G>A, p.Arg452His (NM_001017536.2); short protein forms R402H, R452H.
Identifiers: ClinVar variation 2683191 (VCV002683191.1), dbSNP rs2539964970, ClinGen allele CA384513937.